The following is an entry in ClinVar:

ClinVar aggregate classification (germline): Uncertain significance. Review status: criteria provided, multiple submitters, no conflicts (2 of 4 stars). 2 submissions from 2 submitters: Uncertain significance (2). Last evaluated 2025-11-03.

Conditions:
Inborn genetic diseases. Identifiers: MedGen C0950123, MeSH D030342.

gnomAD v4.1: 20 of 1,614,126 alleles (0.0012%); highest among the groups gnomAD compares: South Asian, 0.011%; no homozygotes.

Submissions (2):

Ambry Genetics
Classification: Uncertain significance for Inborn genetic diseases. Last evaluated: 2025-11-03. Review status: criteria provided, single submitter. Criteria: Ambry Variant Classification Scheme 2023. Collection method: clinical testing. Allele origin: germline.

Labcorp Genetics (formerly Invitae), Labcorp
Classification: Uncertain significance. Last evaluated: 2023-02-24. Review status: criteria provided, single submitter. Criteria: Invitae Variant Classification Sherloc (09022015). Collection method: clinical testing. Allele origin: germline.
Comment: This sequence change replaces valine, which is neutral and non-polar, with isoleucine, which is neutral and non-polar, at codon 4862 of the FAT4 protein (p.Val4862Ile). This variant is present in population databases (rs529296427, gnomAD 0.01%). This variant has not been reported in the literature in individuals affected with FAT4-related conditions. Advanced modeling of protein sequence and biophysical properties (such as structural, functional, and spatial information, amino acid conservation, physicochemical variation, residue mobility, and thermodynamic stability) performed at Invitae indicates that this missense variant is not expected to disrupt FAT4 protein function. In summary, the available evidence is currently insufficient to determine the role of this variant in disease. Therefore, it has been classified as a Variant of Uncertain Significance.

NM_001291303.3(FAT4):c.14590G>A (p.Val4864Ile)

Gene: FAT4 (FAT atypical cadherin 4; plus strand). Cytogenetic location: 4q28.1.
Variant type: single nucleotide variant.
Coding change: c.14590G>A on transcript NM_001291303.3 (MANE Select); coding-DNA position 14590, G replaced by A.
Protein change: p.Val4864Ile; replaces valine 4864 with isoleucine.
Molecular consequence: missense variant.
Genome position (GRCh38, 1-based): chr4:125,491,406, G>A. VCF-style: chr4-125491406-G-A. GRCh37 (hg19) VCF-style: chr4-126412561-G-A.
Other names: c.14587G>A, p.Val4863Ile (NM_001291285.3); c.14584G>A, p.Val4862Ile (NM_024582.6); c.14584G>A (NM_024582.4); short protein forms V4862I, V4863I, V4864I.
Identifiers: ClinVar variation 2880561 (VCV002880561.2), dbSNP rs529296427, ClinGen allele CA3074590.